The following is an entry in ClinVar:

NM_018979.4(WNK1):c.5510-289C>T

Gene: WNK1 (WNK lysine deficient protein kinase 1; plus strand). Cytogenetic location: 12p13.33.
Variant type: single nucleotide variant.
Coding change: c.5510-289C>T on transcript NM_018979.4 (MANE Select); 289 bases into the intron before coding-DNA position 5510, C replaced by T.
Molecular consequence: intron variant.
Genome position (GRCh38, 1-based): chr12:894,273, C>T. VCF-style: chr12-894273-C-T. GRCh37 (hg19) VCF-style: chr12-1003439-C-T.
Other names: c.6266-289C>T (NM_213655.5); c.6290-289C>T (NM_001184985.2); c.4766-289C>T (NM_014823.3).
Identifiers: ClinVar variation 681291 (VCV000681291.1), dbSNP rs12424810, ClinGen allele CA13659704.

ClinVar aggregate classification (germline): Benign (1 of 4 stars; one submission).

Allele frequency attached by ClinVar (database versions not stated): TOPMed 0.09776; 1000 Genomes Project 30x 0.09838; gnomAD 0.09892 and 0.10176; 1000 Genomes Project 0.10064.
gnomAD v4.1: 15,541 of 152,184 alleles (10%); highest among the groups gnomAD compares: South Asian, 17%; 933 homozygotes.

Submission:

GeneDx
Classification: Benign. Last evaluated: 2018-06-20. Review status: criteria provided, single submitter. Criteria: GeneDx Variant Classification (06012015). Collection method: clinical testing. Allele origin: germline. Affected: yes.
Comment: This variant is considered likely benign or benign based on one or more of the following criteria: it is a conservative change, it occurs at a poorly conserved position in the protein, it is predicted to be benign by multiple in silico algorithms, and/or has population frequency not consistent with disease.